The following is an entry in ClinVar:

NM_001999.4(FBN2):c.4594+1del

Gene: FBN2 (fibrillin 2; minus strand). Cytogenetic location: 5q23.3.
Variant type: Deletion.
Coding change: c.4594+1del on transcript NM_001999.4 (MANE Select); the canonical splice donor site of the intron after coding-DNA position 4594, one base deleted (G; older notation c.4594+1delG).
Molecular consequence: splice donor variant.
Genome position (GRCh38, 1-based): chr5:128,318,878, C deleted on the plus strand (G on the coding strand, the reverse complement: FBN2 is on the minus strand); the first of 2 consecutive C bases (chr5:128,318,878-128,318,879); deleting either gives the same sequence. VCF-style (leftmost placement, unchanged base first): chr5-128318877-AC-A. GRCh37 (hg19) VCF-style: chr5-127654569-AC-A.
Identifiers: ClinVar variation 1215394 (VCV001215394.5), dbSNP rs2126854515, ClinGen allele CA2499217537.
Genomic context (GRCh38, chr5:128,318,877, plus strand): 5'-GCTTAGCACAGAATACTCATTTCAATGAATCAGAACACAACTTAGCTGGTAACTGACCAT[AC>A]CTGTACAGTTCCCTCCTGTTCTGTCCAATTCATAACCATCATCGCAGATGCAATGAAACA-3'

ClinVar aggregate classification (germline): Likely pathogenic. Review status: criteria provided, multiple submitters, no conflicts (2 of 4 stars). 2 submissions from 2 submitters: Likely pathogenic (2). Last evaluated 2025-12-29.

Conditions:
FBN2-related disorders.

Submissions (2):

GeneDx
Classification: Likely pathogenic. Last evaluated: 2025-12-29. Review status: criteria provided, single submitter. Criteria: GeneDx Variant Classification Process June 2021. Collection method: clinical testing. Allele origin: germline. Affected: yes.
Comment: Canonical splice site variant predicted to result in an in-frame loss of the adjacent exon in a gene for which loss of function is a known mechanism of disease; Not observed at significant frequency in large population cohorts (gnomAD); Has not been previously published as pathogenic or benign to our knowledge

Blueprint Genetics
Classification: Likely pathogenic for FBN2-related disorders. Last evaluated: 2021-07-12. Review status: criteria provided, single submitter. Criteria: ACMG Guidelines, 2015. Collection method: clinical testing. Allele origin: germline. Affected: yes. Observed: 1 variant allele.